The following is an entry in ClinVar:

ClinVar aggregate classification (germline): Benign/Likely benign. Review status: criteria provided, multiple submitters, no conflicts (2 of 4 stars). 6 submissions from 6 submitters: Benign (1); Likely benign (4). 1 of the submissions does not count toward it. Last evaluated 2026-08-01.

Conditions:
CHD2-related disorder. Also called: CHD2-related condition.
Inborn genetic diseases. Identifiers: MedGen C0950123, MeSH D030342.
Developmental and epileptic encephalopathy 94 (DEE94). Also called: CHD2-Related Neurodevelopmental Disorders; Epileptic encephalopathy, childhood-onset. Identifiers: Orphanet 1942, Orphanet 2382, MedGen C3809278, MONDO:0014150, OMIM 615369.

Allele frequency attached by ClinVar (database versions not stated): gnomAD 0.00001 and 0.00002; gnomAD exomes 0.00001 and 0.00006; TOPMed 0.00005; ExAC 0.00009; 1000 Genomes Project 30x 0.00016; 1000 Genomes Project 0.00020.
gnomAD v4.1: 20 of 1,585,468 alleles (0.0013%); highest among the groups gnomAD compares: Admixed American, 0.032%; no homozygotes.

Submissions (6):

CeGaT Center for Human Genetics Tuebingen
Classification: Likely benign. Last evaluated: 2026-08-01. Review status: criteria provided, single submitter. Criteria: CeGaT Center For Human Genetics Tuebingen Variant Classification Criteria Version 2. Collection method: clinical testing. Allele origin: germline. Affected: yes. Observed: 2 variant alleles.
Comment: CHD2: BP4, BP7

Labcorp Genetics (formerly Invitae), Labcorp
Classification: Likely benign for Developmental and epileptic encephalopathy 94. Last evaluated: 2025-08-04. Review status: criteria provided, single submitter. Criteria: Invitae Variant Classification Sherloc (09022015). Collection method: clinical testing. Allele origin: germline.

Mayo Clinic Laboratories, Mayo Clinic
Classification: Likely benign. Last evaluated: 2025-03-11. Review status: criteria provided, single submitter. Criteria: ACMG Guidelines, 2015. Collection method: clinical testing. Allele origin: germline. Observed: 1 variant allele.
Comment: BS2, BP4, BP7

Athena Diagnostics
Classification: Benign. Last evaluated: 2025-02-10. Review status: criteria provided, single submitter. Criteria: Athena Diagnostics Criteria. Collection method: clinical testing. Allele origin: unknown.
Comment: The frequency of this variant in the general population is higher than would generally be expected for pathogenic variants in this gene. Computational tools yielded predictions that this variant is unlikely to have an effect on normal RNA splicing. This nucleotide position exhibits low evolutionary conservation.

Ambry Genetics
Classification: Likely benign for Inborn genetic diseases. Last evaluated: 2016-08-04. Review status: criteria provided, single submitter. Criteria: Ambry Variant Classification Scheme 2023. Collection method: clinical testing. Allele origin: germline.

PreventionGenetics, part of Exact Sciences
Classification: Likely benign for CHD2-related condition. Last evaluated: 2020-09-09. Review status: no assertion criteria provided. Collection method: clinical testing. Allele origin: germline. Not counted in ClinVar's aggregate classification.
Comment: This variant is classified as likely benign based on ACMG/AMP sequence variant interpretation guidelines (Richards et al. 2015 PMID: 25741868, with internal and published modifications).

NM_001271.4(CHD2):c.1188A>G (p.Thr396=)

Gene: CHD2 (chromodomain helicase DNA binding protein 2; plus strand). Cytogenetic location: 15q26.1.
Variant type: single nucleotide variant.
Coding change: c.1188A>G on transcript NM_001271.4 (MANE Select); coding-DNA position 1188, A replaced by G.
Protein change: p.Thr396=; no amino-acid change (threonine 396 retained).
Molecular consequence: synonymous variant.
Genome position (GRCh38, 1-based): chr15:92,945,855, A>G. VCF-style: chr15-92945855-A-G. GRCh37 (hg19) VCF-style: chr15-93489085-A-G.
Other names: p.Thr396=; c.1188A>G, p.Thr396= (NM_001042572.3).
Identifiers: ClinVar variation 474372 (VCV000474372.24), dbSNP rs199553245, ClinGen allele CA7747735.
Genomic context (GRCh38, chr15:92,945,855, plus strand): 5'-TTCTGTCTTATTTTTTATTTGTTTAGCTGTGAAGACAAGTAAATCTACATTGGGTCAAAC[A>G]GATTTTCCAGGTAAGCAAGAAATTTTATTTATAAATGTTCTTCAACATTTCAGAACAGTG-3'
Protein context (NP_001262.3, residues 386-406): VKTSKSTLGQ[Thr396=]DFPAHSRKPA